The following is an entry in ClinVar:

NM_054012.4(ASS1):c.490G>C (p.Ala164Pro)

Gene: ASS1 (argininosuccinate synthase 1; plus strand). Cytogenetic location: 9q34.11.
Variant type: single nucleotide variant.
Coding change: c.490G>C on transcript NM_054012.4 (MANE Select); coding-DNA position 490, G replaced by C.
Protein change: p.Ala164Pro; replaces alanine 164 with proline.
Molecular consequence: missense variant.
Genome position (GRCh38, 1-based): chr9:130,466,794, G>C. VCF-style: chr9-130466794-G-C. GRCh37 (hg19) VCF-style: chr9-133342181-G-C.
Other names: c.490G>C, p.Ala164Pro (NM_000050.4); short protein forms A164P.
Identifiers: ClinVar variation 1071056 (VCV001071056.9), dbSNP rs201445618, ClinGen allele CA375226519.

ClinVar aggregate classification (germline): Pathogenic (1 of 4 stars; one submission).

Conditions:
Citrullinemia. Identifiers: Orphanet 187, MedGen C0175683, MONDO:0015991.

gnomAD v4.1: 5 of 1,614,008 alleles (0.00031%); highest among the groups gnomAD compares: Non-Finnish European, 0.00042%; no homozygotes.

Submission:

Labcorp Genetics (formerly Invitae), Labcorp
Classification: Pathogenic for Citrullinemia. Last evaluated: 2021-07-14. Review status: criteria provided, single submitter. Criteria: Invitae Variant Classification Sherloc (09022015). Collection method: clinical testing. Allele origin: germline.
Comment: This variant has been observed in individual(s) with citrullinemia type 1 (PMID: 28132756). It has also been observed to segregate with disease in related individuals. Algorithms developed to predict the effect of missense changes on protein structure and function are either unavailable or do not agree on the potential impact of this missense change (SIFT: "Deleterious"; PolyPhen-2: "Probably Damaging"; Align-GVGD: "Class C0"). For these reasons, this variant has been classified as Pathogenic. This variant is not present in population databases (ExAC no frequency). This sequence change replaces alanine with proline at codon 164 of the ASS1 protein (p.Ala164Pro). The alanine residue is highly conserved and there is a small physicochemical difference between alanine and proline.

Literature cited by the submitters: PubMed 28132756.